The following is an entry in ClinVar:

ClinVar aggregate classification (germline): Uncertain significance (1 of 4 stars; one submission).

gnomAD v4.1: 4 of 1,589,382 alleles (0.00025%); highest among the groups gnomAD compares: Admixed American, 0.0035%; no homozygotes.

Submission:

Mayo Clinic Laboratories, Mayo Clinic
Classification: Uncertain significance. Last evaluated: 2025-06-04. Review status: criteria provided, single submitter. Criteria: ACMG Guidelines, 2015. Collection method: clinical testing. Allele origin: germline. Observed: 1 variant allele.
Comment: PP3_moderate, PM2_supporting

NM_002887.4(RARS1):c.739A>G (p.Met247Val)

Gene: RARS1 (arginyl-tRNA synthetase 1; plus strand). Cytogenetic location: 5q34.
Variant type: single nucleotide variant.
Coding change: c.739A>G on transcript NM_002887.4 (MANE Select); coding-DNA position 739, A replaced by G.
Protein change: p.Met247Val; replaces methionine 247 with valine.
Molecular consequence: missense variant.
Genome position (GRCh38, 1-based): chr5:168,497,265, A>G. VCF-style: chr5-168497265-A-G. GRCh37 (hg19) VCF-style: chr5-167924270-A-G.
Other names: p.Met247Val; short protein forms M247V.
Identifiers: ClinVar variation 4541086 (VCV004541086.1).